The following is an entry in ClinVar:

ClinVar aggregate classification (germline): Uncertain significance (1 of 4 stars; one submission).

Conditions:
Pityriasis rubra pilaris (PRP). Also called: Pityriasis rubra pilaris--familial type. Identifiers: Orphanet 2897, MedGen C0032027, MONDO:0100017, OMIM 173200, MONDO:0008251.
Psoriasis 2. Identifiers: MedGen C1864497, MONDO:0011269, OMIM 602723.

Allele frequency attached by ClinVar (database versions not stated): TOPMed below 0.00001.
gnomAD v4.1: 4 of 1,612,588 alleles (0.00025%); highest among the groups gnomAD compares: Non-Finnish European, 0.00034%; no homozygotes.

Submission:

Labcorp Genetics (formerly Invitae), Labcorp
Classification: Uncertain significance for Pityriasis rubra pilaris; Psoriasis 2. Last evaluated: 2024-05-05. Review status: criteria provided, single submitter. Criteria: Invitae Variant Classification Sherloc (09022015). Collection method: clinical testing. Allele origin: germline.
Comment: This sequence change replaces arginine, which is basic and polar, with leucine, which is neutral and non-polar, at codon 361 of the CARD14 protein (p.Arg361Leu). This variant is not present in population databases (gnomAD no frequency). This variant has not been reported in the literature in individuals affected with CARD14-related conditions. ClinVar contains an entry for this variant (Variation ID: 1408091). Advanced modeling of protein sequence and biophysical properties (such as structural, functional, and spatial information, amino acid conservation, physicochemical variation, residue mobility, and thermodynamic stability) performed at Invitae indicates that this missense variant is expected to disrupt CARD14 protein function with a positive predictive value of 80%. In summary, the available evidence is currently insufficient to determine the role of this variant in disease. Therefore, it has been classified as a Variant of Uncertain Significance.

NM_001366385.1(CARD14):c.1082G>T (p.Arg361Leu)

Gene: CARD14 (caspase recruitment domain family member 14; plus strand). Cytogenetic location: 17q25.3.
Variant type: single nucleotide variant.
Coding change: c.1082G>T on transcript NM_001366385.1 (MANE Select); coding-DNA position 1082, G replaced by T.
Protein change: p.Arg361Leu; replaces arginine 361 with leucine.
Molecular consequence: missense variant. On other transcripts: non-coding transcript variant (1).
Genome position (GRCh38, 1-based): chr17:80,190,892, G>T. VCF-style: chr17-80190892-G-T. GRCh37 (hg19) VCF-style: chr17-78164691-G-T.
Other names: c.1082G>T, p.Arg361Leu (NM_001257970.1, NM_024110.4); c.371G>T, p.Arg124Leu (NM_052819.3); short protein forms R361L, R124L.
Identifiers: ClinVar variation 1408091 (VCV001408091.8), dbSNP rs763738345, ClinGen allele CA294865382.